The following is an entry in ClinVar:

ClinVar aggregate classification (germline): Pathogenic (1 of 4 stars; one submission).

Conditions:
Usher syndrome type 1F (USH1F). Also called: USHER SYNDROME, TYPE IF. Identifiers: Orphanet 231169, Orphanet 886, MedGen C1865885, MONDO:0011186, OMIM 602083.

Submission:

Myriad Genetics, Inc.
Classification: Pathogenic for Usher syndrome type 1F. Last evaluated: 2025-05-22. Review status: criteria provided, single submitter. Criteria: Myriad Autosomal Dominant, Autosomal Recessive and X-Linked Classification Criteria (2023). Collection method: clinical testing. Allele origin: unknown.
Comment: NM_033056.3(PCDH15):c.2791_2792delTA(Y931Qfs*20) is expected to be pathogenic in the context of PCDH15-related disorders. This variant is predicted to lead to an abnormal or absent protein product due to the creation of a premature termination codon in PCDH15, a gene where loss-of-function variants are known to be pathogenic. Please note: this variant was assessed in the context of healthy population screening.

NM_001384140.1(PCDH15):c.2791_2792del (p.Tyr931fs)

Gene: PCDH15 (protocadherin related 15; minus strand). Cytogenetic location: 10q21.1.
Variant type: Microsatellite.
Coding change: c.2791_2792del on transcript NM_001384140.1 (MANE Select); coding-DNA positions 2791 to 2792, 2 bases deleted (TA; older notation c.2791_2792delTA).
Protein change: p.Tyr931fs; shifts the reading frame from tyrosine 931.
Molecular consequence: frameshift variant.
Genome position (GRCh38, 1-based): chr10:53,995,725-53,995,726, TA deleted on the plus strand (TA on the coding strand, the reverse complement: PCDH15 is on the minus strand); deleting any 2 consecutive bases within chr10:53,995,725-53,995,729 gives the same sequence; the c. name uses the placement nearest the transcript's 3' end. VCF-style (leftmost placement, unchanged base first): chr10-53995724-GTA-G. GRCh37 (hg19) VCF-style: chr10-55755484-GTA-G.
Other names: c.2806_2807del, p.Tyr936fs (NM_001142763.2, NM_001142771.2); c.2791_2792del, p.Tyr931fs (NM_001142764.2, NM_001142766.2, NM_001142770.3 and 5 more transcripts); c.2578_2579del, p.Tyr860fs (NM_001142765.2); c.2680_2681del, p.Tyr894fs (NM_001142767.2); c.2725_2726del, p.Tyr909fs (NM_001142768.2, NM_001142773.2, NM_001354404.2); c.2824_2825AT[1], p.Tyr943Glnfs (NM_001142769.4); c.2812_2813del, p.Tyr938fs (NM_001354411.2); short protein forms Y860fs, Y894fs, Y909fs, Y931fs, Y936fs, Y938fs, Y943fs.
Identifiers: ClinVar variation 5014495 (VCV005014495.1).